The following is an entry in ClinVar:

NM_017950.4(CCDC40):c.3212G>A (p.Arg1071His)

Genes: CCDC40 (coiled-coil domain 40 molecular ruler complex subunit; plus strand), GAA (alpha glucosidase; plus strand). Cytogenetic location: 17q25.3.
Variant type: single nucleotide variant.
Coding change: c.3212G>A on transcript NM_017950.4 (MANE Select); coding-DNA position 3212, G replaced by A.
Protein change: p.Arg1071His; replaces arginine 1071 with histidine.
Molecular consequence: missense variant.
Genome position (GRCh38, 1-based): chr17:80,099,558, G>A. VCF-style: chr17-80099558-G-A. GRCh37 (hg19) VCF-style: chr17-78073357-G-A.
Other names: short protein forms R1071H.
Identifiers: ClinVar variation 890468 (VCV000890468.9), dbSNP rs142135083, ClinGen allele CA8814672.

ClinVar aggregate classification (germline): Uncertain significance. Review status: criteria provided, multiple submitters, no conflicts (2 of 4 stars). 4 submissions from 3 submitters: Uncertain significance (4). Last evaluated 2024-05-09.

Conditions:
Primary ciliary dyskinesia. Also called: Ciliary dyskinesia. Identifiers: Orphanet 244, MedGen C0008780, MONDO:0016575, HP:0012265.
Primary ciliary dyskinesia 15. Also called: CILIARY DYSKINESIA, PRIMARY, 15, WITH OR WITHOUT SITUS INVERSUS. Identifiers: Orphanet 244, MedGen C3151137, MONDO:0013435, OMIM 613808.
Glycogen storage disease, type II (IOPD). Also called: POMPE DISEASE, INFANTILE-ONSET; GLYCOGEN STORAGE DISEASE II, INFANTILE-ONSET; ACID ALPHA-GLUCOSIDASE DEFICIENCY, INFANTILE-ONSET; GAA DEFICIENCY, INFANTILE-ONSET; ACID MALTASE DEFICIENCY, INFANTILE-ONSET; Glucosidase acid-1,4-alpha deficiency. Identifiers: Orphanet 365, MedGen C0017921, MONDO:0009290, OMIM 232300.

Allele frequency attached by ClinVar (database versions not stated): gnomAD 0.00003 and 0.00002; 1000 Genomes Project 30x 0.00031; gnomAD exomes below 0.00001 and 0.00002; 1000 Genomes Project 0.00020; ExAC 0.00002; TOPMed 0.00002.
gnomAD v4.1: 31 of 1,612,034 alleles (0.0019%); highest among the groups gnomAD compares: African/African-American, 0.0067%; no homozygotes.

Submissions (4):

GeneDx
Classification: Uncertain significance. Last evaluated: 2024-05-09. Review status: criteria provided, single submitter. Criteria: GeneDx Variant Classification Process June 2021. Collection method: clinical testing. Allele origin: germline. Affected: yes.
Comment: Not observed at significant frequency in large population cohorts (gnomAD); In silico analysis supports that this missense variant has a deleterious effect on protein structure/function; Has not been previously published as pathogenic or benign to our knowledge

Ambry Genetics
Classification: Uncertain significance for Primary ciliary dyskinesia. Last evaluated: 2023-05-17. Review status: criteria provided, single submitter. Criteria: Ambry Variant Classification Scheme 2023. Collection method: clinical testing. Allele origin: germline.

Illumina Laboratory Services, Illumina
Classification: Uncertain significance for Primary ciliary dyskinesia 15. Last evaluated: 2018-01-13. Review status: criteria provided, single submitter. Criteria: ICSL Variant Classification Criteria 13 December 2019. Collection method: clinical testing. Allele origin: germline.

Illumina Laboratory Services, Illumina
Classification: Uncertain significance for Glycogen storage disease, type II. Last evaluated: 2018-01-13. Review status: criteria provided, single submitter. Criteria: ICSL Variant Classification Criteria 13 December 2019. Collection method: clinical testing. Allele origin: germline.